The following is an entry in ClinVar:

NM_001001957.2(OR2W3):c.829T>C (p.Phe277Leu)

Gene: OR2W3 (olfactory receptor family 2 subfamily W member 3; plus strand). Cytogenetic location: 1q44.
Variant type: single nucleotide variant.
Coding change: c.829T>C on transcript NM_001001957.2 (MANE Select); coding-DNA position 829, T replaced by C.
Protein change: p.Phe277Leu; replaces phenylalanine 277 with leucine.
Molecular consequence: missense variant.
Genome position (GRCh38, 1-based): chr1:247,896,415, T>C. VCF-style: chr1-247896415-T-C. GRCh37 (hg19) VCF-style: chr1-248059717-T-C.
Other names: short protein forms F277L.
Identifiers: ClinVar variation 2175325 (VCV002175325.5), dbSNP rs375622528, ClinGen allele CA1498696.

ClinVar aggregate classification (germline): Uncertain significance. Review status: criteria provided, multiple submitters, no conflicts (2 of 4 stars). 2 submissions from 2 submitters: Uncertain significance (2). Last evaluated 2025-12-06.

Allele frequency attached by ClinVar (database versions not stated): gnomAD 0.00005; ESP Exome Variant Server 0.00008.

Submissions (2):

Labcorp Genetics (formerly Invitae), Labcorp
Classification: Uncertain significance. Last evaluated: 2025-12-06. Review status: criteria provided, single submitter. Criteria: Invitae Variant Classification Sherloc (09022015). Collection method: clinical testing. Allele origin: germline.
Comment: This sequence change replaces phenylalanine, which is neutral and non-polar, with leucine, which is neutral and non-polar, at codon 277 of the OR2W3 protein (p.Phe277Leu). This variant is present in population databases (rs375622528, gnomAD 0.02%). This variant has not been reported in the literature in individuals affected with OR2W3-related conditions. ClinVar contains an entry for this variant (Variation ID: 2175325). An algorithm developed to predict the effect of missense changes on protein structure and function outputs the following: PolyPhen-2: "Benign". The leucine amino acid residue is found in multiple mammalian species, which suggests that this missense change does not adversely affect protein function. In summary, the available evidence is currently insufficient to determine the role of this variant in disease. Therefore, it has been classified as a Variant of Uncertain Significance.

Ambry Genetics
Classification: Uncertain significance. Last evaluated: 2025-04-13. Review status: criteria provided, single submitter. Criteria: Ambry Variant Classification Scheme 2023. Collection method: clinical testing. Allele origin: germline.